The following is an entry in ClinVar:

NM_000379.4(XDH):c.159G>A (p.Val53=)

Gene: XDH (xanthine dehydrogenase; minus strand). Cytogenetic location: 2p23.1.
Variant type: single nucleotide variant.
Coding change: c.159G>A on transcript NM_000379.4 (MANE Select); coding-DNA position 159, G replaced by A.
Protein change: p.Val53=; no amino-acid change (valine 53 retained).
Molecular consequence: synonymous variant.
Genome position (GRCh38, 1-based): chr2:31,403,086, C>T on the plus strand (G>A on the coding strand, the complement: XDH is on the minus strand). VCF-style: chr2-31403086-C-T. GRCh37 (hg19) VCF-style: chr2-31625952-C-T.
Identifiers: ClinVar variation 3046879 (VCV003046879.3), dbSNP rs201762175, ClinGen allele CA1599751.

ClinVar aggregate classification (germline): Likely benign. Review status: criteria provided, single submitter (1 of 4 stars). 2 submissions from 2 submitters: Likely benign (1). 1 of the submissions does not count toward it. Last evaluated 2021-04-12.

Conditions:
XDH-related disorder. Also called: XDH-related condition.

Allele frequency attached by ClinVar (database versions not stated): gnomAD exomes 0.00001; TOPMed 0.00001; gnomAD 0.00002; ExAC 0.00003; 1000 Genomes Project 30x 0.00016; 1000 Genomes Project 0.00020.
gnomAD v4.1: 15 of 1,614,188 alleles (0.00093%); highest among the groups gnomAD compares: East Asian, 0.029%; no homozygotes.

Submissions (2):

Blueprint Genetics
Classification: Likely benign. Last evaluated: 2021-04-12. Review status: criteria provided, single submitter. Criteria: ACMG Guidelines, 2015. Collection method: clinical testing. Allele origin: germline.

PreventionGenetics, part of Exact Sciences
Classification: Likely benign for XDH-related condition. Last evaluated: 2020-04-03. Review status: no assertion criteria provided. Collection method: clinical testing. Allele origin: germline. Not counted in ClinVar's aggregate classification.
Comment: This variant is classified as likely benign based on ACMG/AMP sequence variant interpretation guidelines (Richards et al. 2015 PMID: 25741868, with internal and published modifications).